The following is an entry in ClinVar:

ClinVar aggregate classification (germline): Uncertain significance (1 of 4 stars; one submission).

Conditions:
Angelman syndrome (AS). Also called: HAPPY PUPPET SYNDROME. Identifiers: Orphanet 72, MedGen C0162635, MONDO:0007113, OMIM 105830. Disease mechanism: loss of function. Inheritance: AS is caused by disruption of maternally imprinted UBE3A located within the 15q11.2-q13 Angelman syndrome/Prader-Willi syndrome (AS/PWS) region., imprinting disorder.

Submission:

Labcorp Genetics (formerly Invitae), Labcorp
Classification: Uncertain significance for Angelman syndrome. Last evaluated: 2024-09-29. Review status: criteria provided, single submitter. Criteria: Invitae Variant Classification Sherloc (09022015). Collection method: clinical testing. Allele origin: germline.
Comment: This sequence change replaces arginine, which is basic and polar, with glycine, which is neutral and non-polar, at codon 759 of the UBE3A protein (p.Arg759Gly). This variant is not present in population databases (gnomAD no frequency). This variant has not been reported in the literature in individuals affected with UBE3A-related conditions. Invitae Evidence Modeling of protein sequence and biophysical properties (such as structural, functional, and spatial information, amino acid conservation, physicochemical variation, residue mobility, and thermodynamic stability) has been performed for this missense variant. However, the output from this modeling did not meet the statistical confidence thresholds required to predict the impact of this variant on UBE3A protein function. In summary, the available evidence is currently insufficient to determine the role of this variant in disease. Therefore, it has been classified as a Variant of Uncertain Significance.

NM_130839.5(UBE3A):c.2335A>G (p.Arg779Gly)

Genes: SNHG14 (small nucleolar RNA host gene 14; plus strand), UBE3A (ubiquitin protein ligase E3A; minus strand). Cytogenetic location: 15q11.2.
Variant type: single nucleotide variant.
Coding change: c.2335A>G on transcript NM_130839.5 (MANE Select); coding-DNA position 2335, A replaced by G.
Protein change: p.Arg779Gly; replaces arginine 779 with glycine.
Molecular consequence: missense variant. On other transcripts: non-coding transcript variant (1).
Genome position (GRCh38, 1-based): chr15:25,354,372, T>C on the plus strand (A>G on the coding strand, the complement: UBE3A is on the minus strand). VCF-style: chr15-25354372-T-C. GRCh37 (hg19) VCF-style: chr15-25599519-T-C.
Other names: c.2344A>G, p.Arg782Gly (NM_000462.5); c.2335A>G, p.Arg779Gly (NM_001354505.1, NM_001354538.2); c.2275A>G, p.Arg759Gly (NM_001354506.2, NM_001354507.2, NM_001354508.2 and 14 more transcripts); c.2179A>G, p.Arg727Gly (NM_001354545.2); c.2158A>G, p.Arg720Gly (NM_001354546.2); c.2119A>G, p.Arg707Gly (NM_001354547.2, NM_001354548.2); c.2110A>G, p.Arg704Gly (NM_001354549.2); c.1084A>G, p.Arg362Gly (NM_001354550.2); and 1 more; short protein forms R720G, R342G, R707G, R727G, R759G, R779G, R362G, R704G.
Identifiers: ClinVar variation 3672930 (VCV003672930.2).
Genomic context (GRCh38, chr15:25,354,372, plus strand): 5'-TTGGTGAATCAAATCTTCCTCTGAAGAACTAAGTACCTCACCTAATCAGAACAGAGTCCC[T>C]GGTATAGCCACCGTCATATTCTGTAGTTTCTTCTAGTGCTTGGAAATCTAGATTCTGCAA-3'
Protein context (NP_570854.1, residues 769-789): ETTEYDGGYT[Arg779Gly]DSVLIREFWE